The following is an entry in ClinVar:

NM_003640.5(ELP1):c.461G>C (p.Gly154Ala)

Gene: ELP1 (elongator acetyltransferase complex subunit 1; minus strand). Cytogenetic location: 9q31.3.
Variant type: single nucleotide variant.
Coding change: c.461G>C on transcript NM_003640.5 (MANE Select); coding-DNA position 461, G replaced by C.
Protein change: p.Gly154Ala; replaces glycine 154 with alanine.
Molecular consequence: missense variant. On other transcripts: 5 prime UTR variant (1).
Genome position (GRCh38, 1-based): chr9:108,926,528, C>G on the plus strand (G>C on the coding strand, the complement: ELP1 is on the minus strand). VCF-style: chr9-108926528-C-G. GRCh37 (hg19) VCF-style: chr9-111688808-C-G.
Other names: c.119G>C, p.Gly40Ala (NM_001318360.2); c.-399G>C (NM_001330749.2); short protein forms G154A, G40A.
Identifiers: ClinVar variation 1060089 (VCV001060089.7), dbSNP rs2132043743, ClinGen allele CA374391006.

ClinVar aggregate classification (germline): Uncertain significance. Review status: criteria provided, single submitter (1 of 4 stars). 2 submissions from 2 submitters: Uncertain significance (1). 1 of the submissions does not count toward it. Last evaluated 2021-08-31.

Conditions:
Familial dysautonomia. Also called: HSAN III; FD. Identifiers: Orphanet 1764, MedGen C0013364, MONDO:0009131, OMIM 223900. Disease mechanism: loss of function.

gnomAD v4.1: 1 of 1,612,242 alleles (0.000062%); no homozygotes.

Submissions (2):

Labcorp Genetics (formerly Invitae), Labcorp
Classification: Uncertain significance. Last evaluated: 2021-08-31. Review status: criteria provided, single submitter. Criteria: Invitae Variant Classification Sherloc (09022015). Collection method: clinical testing. Allele origin: germline.
Comment: This sequence change replaces glycine with alanine at codon 154 of the ELP1 protein (p.Gly154Ala). The glycine residue is moderately conserved and there is a small physicochemical difference between glycine and alanine. This variant is not present in population databases (ExAC no frequency). This variant has not been reported in the literature in individuals affected with ELP1-related conditions. Algorithms developed to predict the effect of missense changes on protein structure and function are either unavailable or do not agree on the potential impact of this missense change (SIFT: "Tolerated"; PolyPhen-2: "Probably Damaging"; Align-GVGD: "Class C0"). In summary, the available evidence is currently insufficient to determine the role of this variant in disease. Therefore, it has been classified as a Variant of Uncertain Significance.

Natera, Inc.
Classification: Uncertain significance for Familial dysautonomia. Last evaluated: 2021-06-22. Review status: no assertion criteria provided. Collection method: clinical testing. Allele origin: germline. Not counted in ClinVar's aggregate classification.